The following is an entry in ClinVar:

NM_001077415.3(CRELD1):c.1128_1129del (p.Ala377fs)

Gene: CRELD1 (cysteine rich with EGF like domains 1; plus strand). Cytogenetic location: 3p25.3.
Variant type: Microsatellite.
Coding change: c.1128_1129del on transcript NM_001077415.3 (MANE Select); coding-DNA positions 1128 to 1129, 2 bases deleted (TG; older notation c.1128_1129delTG).
Protein change: p.Ala377fs; shifts the reading frame from alanine 377.
Molecular consequence: frameshift variant. On other transcripts: 3 prime UTR variant (4), non-coding transcript variant (3).
Genome position (GRCh38, 1-based): chr3:9,944,444-9,944,445, TG deleted; deleting any 2 consecutive bases within chr3:9,944,442-9,944,445 gives the same sequence; the c. name uses the placement nearest the transcript's 3' end. VCF-style (leftmost placement, unchanged base first): chr3-9944441-CTG-C. GRCh37 (hg19) VCF-style: chr3-9986125-CTG-C.
Other names: NM_001077415.3(CRELD1):c.1128_1129del; p.Ala377fs; c.*51TG[1] (NM_001031717.4, NM_001374317.1, NM_001374318.1); c.1128_1129del, p.Ala377fs (NM_001374316.1, NM_015513.6); c.1044_1045del, p.Ala349fs (NM_001374319.1, NM_001374320.1); c.*691TG[1] (NM_001410713.1); c.1128_1129delTG (NM_015513.6); short protein forms A349fs, A377fs.
Identifiers: ClinVar variation 3064667 (VCV003064667.1), dbSNP rs753036307, ClinGen allele CA2247999.
Genomic context (GRCh38, chr3:9,944,441, plus strand): 5'-CTCAGAGATGACAGAAGACGAGTTGGTGGTGCTGCAGCAGATGTTCTTTGGCATCATCAT[CTG>C]TGCACTGGCCACGCTGGCTGCTAAGGGCGACTTGGTGTTCACCGCCATCTTCATTGGGGC-3'

ClinVar aggregate classification (germline): Uncertain significance. Review status: criteria provided, single submitter (1 of 4 stars). 2 submissions from 2 submitters: Uncertain significance (1). 1 of the submissions does not count toward it. Last evaluated 2024-11-26.

Conditions:
Jeffries-Lakhani neurodevelopmental syndrome. Identifiers: MedGen C5935596, MONDO:0958329, OMIM 620771.

Submissions (2):

Broad Center for Mendelian Genomics, Broad Institute of MIT and Harvard
Classification: Uncertain significance for Jeffries-Lakhani neurodevelopmental syndrome. Last evaluated: 2024-11-26. Review status: criteria provided, single submitter. Criteria: ACMG Guidelines, 2015. Collection method: curation. Allele origin: germline. Inheritance: Autosomal recessive inheritance. Study: GREGoR Consortium.
Comment: Trio exome analysis revealed that this variant was in trans with the VUS. This individual, along with 2 additional compound heterozygous affected probands, were reported in the literature (PMID: 37947183), segregated with disease in 2 affected relatives from 2 families (PMID: 37947183). This variant has been identified in 0.003% (10/1180042) in European (non-Finnish) chromosomes by the Genome Aggregation Database (gnomAD; dbSNP rs753036307). Although this variant has been seen in the general population in a heterozygous state, its frequency is low enough to be consistent with a recessive carrier frequency. This variant has also been reported in ClinVar (Variation ID: 3064667) and has been interpreted as pathogenic by OMIM. Of the 3 affected probands, all were compound heterozygotes that carried a variant of uncertain significance in trans, which increases the likelihood that theAla377ThrfsTer7 variant is pathogenic (Variation ID: 238218; PMID: 37947183). This variant is predicted to cause a frameshift, which alters the protein’s amino acid sequence beginning at position 377 and leads to a premature termination codon 7 amino acids downstream. This termination codon occurs within the the last exon and is more likely to escape nonsense mediated decay (NMD) and result in a truncated protein. Loss of function of the CRELD1 gene is an established disease mechanism in autosomal recessive neuromuscular disease. In summary, the clinical significance of the p.Ala377ThrfsTer7 variant is uncertain. ACMG/AMP Criteria applied: PVS1_moderate, PM2_supporting, PM3_supporting (Richards 2015).

OMIM
Classification: Pathogenic for JEFFRIES-LAKHANI NEURODEVELOPMENTAL SYNDROME. Last evaluated: 2024-03-29. Review status: no assertion criteria provided. Collection method: literature only. Allele origin: germline. Not counted in ClinVar's aggregate classification.

Literature cited by the submitters: PubMed 37947183 (cited by OMIM).